The following is an entry in ClinVar:

NM_020843.4(SCAPER):c.3639C>A (p.Ile1213=)

Gene: SCAPER (S-phase cyclin A associated protein in the ER; minus strand). Cytogenetic location: 15q24.3.
Variant type: single nucleotide variant.
Coding change: c.3639C>A on transcript NM_020843.4 (MANE Select); coding-DNA position 3639, C replaced by A.
Protein change: p.Ile1213=; no amino-acid change (isoleucine 1213 retained).
Molecular consequence: synonymous variant. On other transcripts: non-coding transcript variant (1).
Genome position (GRCh38, 1-based): chr15:76,381,444, G>T on the plus strand (C>A on the coding strand, the complement: SCAPER is on the minus strand). VCF-style: chr15-76381444-G-T. GRCh37 (hg19) VCF-style: chr15-76673785-G-T.
Other names: c.2901C>A, p.Ile967= (NM_001145923.2); c.3657C>A, p.Ile1219= (NM_001353009.2); c.3237C>A, p.Ile1079= (NM_001353010.2, NM_001353012.2); c.3255C>A, p.Ile1085= (NM_001353011.2); c.3657C>A (NM_001353009.1).
Identifiers: ClinVar variation 776933 (VCV000776933.7), dbSNP rs36022476, ClinGen allele CA7674394.

ClinVar aggregate classification (germline): Benign. Review status: criteria provided, multiple submitters, no conflicts (2 of 4 stars). 3 submissions from 3 submitters: Benign (2). 1 of the submissions does not count toward it. Last evaluated 2019-12-31.

Conditions:
SCAPER-related disorder. Also called: SCAPER-related condition.

Allele frequency attached by ClinVar (database versions not stated): gnomAD exomes 0.00240 and 0.00606; ExAC 0.00764; gnomAD 0.02555 and 0.02708; ESP Exome Variant Server 0.02815; TOPMed 0.02828; 1000 Genomes Project 0.02895; 1000 Genomes Project 30x 0.02967.
gnomAD v4.1: 7,517 of 1,613,840 alleles (0.47%); highest among the groups gnomAD compares: African/African-American, 9.1%; 322 homozygotes.

Submissions (3):

Labcorp Genetics (formerly Invitae), Labcorp
Classification: Benign. Last evaluated: 2019-12-31. Review status: criteria provided, single submitter. Criteria: Invitae Variant Classification Sherloc (09022015). Collection method: clinical testing. Allele origin: germline.

Breakthrough Genomics
Classification: Benign. Review status: criteria provided, single submitter. Criteria: ACMG Guidelines, 2015. Collection method: not provided. Allele origin: germline. Inheritance: Autosomal recessive inheritance. Affected: yes.

PreventionGenetics, part of Exact Sciences
Classification: Benign for SCAPER-related condition. Last evaluated: 2019-07-16. Review status: no assertion criteria provided. Collection method: clinical testing. Allele origin: germline. Not counted in ClinVar's aggregate classification.
Comment: This variant is classified as benign based on ACMG/AMP sequence variant interpretation guidelines (Richards et al. 2015 PMID: 25741868, with internal and published modifications).